The following is an entry in ClinVar:

GRCh38/hg38 Xp22.31(chrX:6851856-7987439)x0

Genes: MIR4767 (microRNA 4767; plus strand), PNPLA4 (patatin like domain 4, phospholipase and triacylglycerol lipase; minus strand), PUDP (pseudouridine 5'-phosphatase; minus strand), STS (steroid sulfatase; plus strand), VCX (variable charge X-linked; plus strand) and 19 more. Cytogenetic location: Xp22.31.
Variant type: copy number loss.
Change: copy number 0 of chrX:6,851,856-7,987,439 (1.14 Mb, GRCh38 coordinates, 1-based), cytogenetic band Xp22.31.
Identifiers: ClinVar variation 4796088 (VCV004796088.1).

ClinVar aggregate classification (germline): Pathogenic (1 of 4 stars; one submission).

Submission:

Medical Genetic Center, Changzhi Maternal and Child Health Care Hospital
Classification: Pathogenic. Last evaluated: 2025-12-10. Review status: criteria provided, single submitter. Criteria: ACMG/ClinGen CNV Guidelines, 2019. Collection method: clinical testing. Allele origin: unknown.
Comment: 2A:Xp22.31 recurrent region (includes STS)